The following is an entry in ClinVar:

NM_002485.5(NBN):c.1708A>T (p.Thr570Ser)

Gene: NBN (nibrin; minus strand). Cytogenetic location: 8q21.3.
Variant type: single nucleotide variant.
Coding change: c.1708A>T on transcript NM_002485.5 (MANE Select); coding-DNA position 1708, A replaced by T.
Protein change: p.Thr570Ser; replaces threonine 570 with serine.
Molecular consequence: missense variant.
Genome position (GRCh38, 1-based): chr8:89,953,381, T>A on the plus strand (A>T on the coding strand, the complement: NBN is on the minus strand). VCF-style: chr8-89953381-T-A. GRCh37 (hg19) VCF-style: chr8-90965609-T-A.
Other names: c.1462A>T, p.Thr488Ser (NM_001024688.3, NM_001440379.1, NM_001440380.1); short protein forms T570S, T488S.
Identifiers: ClinVar variation 4827169 (VCV004827169.1).

ClinVar aggregate classification (germline): Uncertain significance (1 of 4 stars; one submission).

Conditions:
Hereditary cancer-predisposing syndrome. Also called: Neoplastic Syndromes, Hereditary; Tumor predisposition; Hereditary Cancer Syndrome; Hereditary neoplastic syndrome. Identifiers: Orphanet 140162, MedGen C0027672, MeSH D009386, MONDO:0015356.

Submission:

Ambry Genetics
Classification: Uncertain significance for Hereditary cancer-predisposing syndrome. Last evaluated: 2026-03-13. Review status: criteria provided, single submitter. Criteria: Ambry Variant Classification Scheme 2023. Collection method: clinical testing. Allele origin: germline.
Comment: The p.T570S variant (also known as c.1708A>T), located in coding exon 11 of the NBN gene, results from an A to T substitution at nucleotide position 1708. The threonine at codon 570 is replaced by serine, an amino acid with similar properties. This amino acid position is conserved. In addition, this alteration is predicted to be tolerated by in silico analysis. Based on the available evidence, the clinical significance of this variant remains unclear.